The following is an entry in ClinVar:

NM_001034853.2(RPGR):c.2366AAG[1] (p.Glu790del)

Gene: RPGR (retinitis pigmentosa GTPase regulator; minus strand). Cytogenetic location: Xp11.4.
Variant type: Microsatellite.
Coding change: c.2366AAG[1] on transcript NM_001034853.2 (MANE Select); one copy of the 3-base unit AAG starting at c.2366; the reference has two copies in a row; one copy, 3 bases deleted.
Protein change: p.Glu790del; deletes glutamic acid 790.
Molecular consequence: inframe deletion. On other transcripts: intron variant (8).
Genome position (GRCh38, 1-based): chrX:38,286,628-38,286,630, CTT deleted on the plus strand (AAG on the coding strand, the reverse complement: RPGR is on the minus strand); deleting any 3 consecutive bases within chrX:38,286,628-38,286,634 gives the same sequence; the position shown is the placement nearest the transcript's 3' end. VCF-style (leftmost placement, unchanged base first): chrX-38286627-CCTT-C. GRCh37 (hg19) VCF-style: chrX-38145880-CCTT-C.
Other names: c.2369_2371delAAG (NM_001034853.1); c.1569+4329_1569+4331del (NM_001367249.1, NM_001367250.1); c.1902+464_1902+466del (NM_001367245.1); c.1386+4329_1386+4331del (NM_001367251.1); c.1719+464_1719+466del (NM_001367246.1); c.1572+4329_1572+4331del (NM_001367247.1); c.1905+464_1905+466del (NM_000328.3); c.1602+4329_1602+4331del (NM_001367248.1); short protein forms E790del.
Identifiers: ClinVar variation 2876481 (VCV002876481.3), dbSNP rs1220781013, ClinGen allele CA640957301.

ClinVar aggregate classification (germline): Conflicting classifications of pathogenicity. Review status: criteria provided, conflicting classifications (1 of 4 stars). 2 submissions from 2 submitters: Uncertain significance (1); Likely benign (1). Last evaluated 2026-07-15.

Conditions:
Primary ciliary dyskinesia. Also called: Ciliary dyskinesia. Identifiers: Orphanet 244, MedGen C0008780, MONDO:0016575, HP:0012265.
RPGR-related disorder. Also called: RPGR-related condition.

Submissions (2):

PreventionGenetics, part of Exact Sciences
Classification: Likely benign for RPGR-related condition. Last evaluated: 2026-07-15. Review status: criteria provided, single submitter. Criteria: ACMG Guidelines, 2015. Collection method: clinical testing. Allele origin: germline.
Comment: This variant is classified as likely benign based on ACMG/AMP sequence variant interpretation guidelines (Richards et al. 2015 PMID: 25741868, with internal and published modifications).

Labcorp Genetics (formerly Invitae), Labcorp
Classification: Uncertain significance for Primary ciliary dyskinesia. Last evaluated: 2023-03-22. Review status: criteria provided, single submitter. Criteria: Invitae Variant Classification Sherloc (09022015). Collection method: clinical testing. Allele origin: germline.
Comment: In summary, the available evidence is currently insufficient to determine the role of this variant in disease. Therefore, it has been classified as a Variant of Uncertain Significance. This variant, c.2369_2371del, results in the deletion of 1 amino acid(s) of the RPGR (ORF15) protein (p.Glu790del), but otherwise preserves the integrity of the reading frame. This variant is present in population databases (no rsID available, gnomAD 0.01%). This variant has not been reported in the literature in individuals affected with RPGR (ORF15)-related conditions. Experimental studies and prediction algorithms are not available or were not evaluated, and the functional significance of this variant is currently unknown.